The following is an entry in ClinVar:

ClinVar aggregate classification (germline): Uncertain significance (1 of 4 stars; one submission).

Conditions:
CHARGE syndrome (CHARGE). Also called: Hittner Hirsch Kreh syndrome; Coloboma, heart anomaly, choanal atresia, retardation, genital and ear anomalies; CHARGE association; Hall-Hittner syndrome; CHARGE ASSOCIATION--COLOBOMA, HEART ANOMALY, CHOANAL ATRESIA, RETARDATION, GENITAL AND EAR ANOMALIES. Identifiers: Orphanet 138, MedGen C0265354, MONDO:0008965.

Submission:

Labcorp Genetics (formerly Invitae), Labcorp
Classification: Uncertain significance for CHARGE syndrome. Last evaluated: 2018-05-11. Review status: criteria provided, single submitter. Criteria: Invitae Variant Classification Sherloc (09022015). Collection method: clinical testing. Allele origin: germline.
Comment: In summary, the available evidence is currently insufficient to determine the role of this variant in disease. Therefore, it has been classified as a Variant of Uncertain Significance. Algorithms developed to predict the effect of sequence changes on RNA splicing suggest that this variant may disrupt the consensus splice site, but this prediction has not been confirmed by published transcriptional studies. This sequence change replaces glycine with arginine at codon 2693 of the CHD7 protein (p.Gly2693Arg). The glycine residue is highly conserved and there is a moderate physicochemical difference between glycine and arginine. This variant is not present in population databases (ExAC no frequency). This variant has not been reported in the literature in individuals with CHD7-related disease. Algorithms developed to predict the effect of missense changes on protein structure and function do not agree on the potential impact of this missense change (SIFT: "Tolerated"; PolyPhen-2: "Probably Damaging"; Align-GVGD: "Class C0").

NM_017780.4(CHD7):c.8077G>C (p.Gly2693Arg)

Gene: CHD7 (chromodomain helicase DNA binding protein 7; plus strand). Cytogenetic location: 8q12.2.
Variant type: single nucleotide variant.
Coding change: c.8077G>C on transcript NM_017780.4 (MANE Select); coding-DNA position 8077, G replaced by C.
Protein change: p.Gly2693Arg; replaces glycine 2693 with arginine.
Molecular consequence: missense variant.
Genome position (GRCh38, 1-based): chr8:60,865,016, G>C. VCF-style: chr8-60865016-G-C. GRCh37 (hg19) VCF-style: chr8-61777575-G-C.
Other names: c.1930G>C, p.Gly644Arg (NM_001316690.1); short protein forms G2693R, G644R.
Identifiers: ClinVar variation 566459 (VCV000566459.8), dbSNP rs1563673201, ClinGen allele CA371307064.